The following is an entry in ClinVar:

NM_000132.4(F8):c.6574+5G>A

Gene: F8 (coagulation factor VIII; minus strand). Cytogenetic location: Xq28.
Variant type: single nucleotide variant.
Coding change: c.6574+5G>A on transcript NM_000132.4 (MANE Select); 5 bases into the intron after coding-DNA position 6574, G replaced by A.
Molecular consequence: intron variant.
Genome position (GRCh38, 1-based): chrX:154,863,078, C>T on the plus strand (G>A on the coding strand, the complement: F8 is on the minus strand). VCF-style: chrX-154863078-C-T. GRCh37 (hg19) VCF-style: chrX-154091353-C-T.
Other names: c.169+5G>A (NM_019863.3).
Identifiers: ClinVar variation 3362837 (VCV003362837.3).

ClinVar aggregate classification (germline): Uncertain significance (1 of 4 stars; one submission).

Conditions:
Hereditary factor VIII deficiency disease (HEMA). Also called: HEMOPHILIA, CLASSIC; AUTOSOMAL HEMOPHILIA A; Hemophilia A; Hemophilia A, congenital; HEM A; Factor 8 deficiency, congenital. Identifiers: Orphanet 98878, MedGen C0019069, MONDO:0010602, OMIM 306700.

Submission:

Neuberg Centre For Genomic Medicine, NCGM
Classification: Uncertain significance for Hereditary factor VIII deficiency disease. Review status: criteria provided, single submitter. Criteria: ACMG Guidelines, 2015. Collection method: clinical testing. Allele origin: germline. Inheritance: X-linked recessive inheritance. Affected: yes.
Comment: The splice site c.6574+5G>A variant in F8 gene has not been reported previously as a pathogenic variant nor as a benign variant, to our knowledge. The observed variant is absent in gnomAD exomes database. This variant has not been submitted to the ClinVar database. SpliceAI predicts 0.9500 score for this variant. For these reasons, this variant has been classified as Uncertain Significance (VUS).